The following is an entry in ClinVar:

NM_000368.5(TSC1):c.2625+9G>C

Gene: TSC1 (TSC complex subunit 1; minus strand). Cytogenetic location: 9q34.13.
Variant type: single nucleotide variant.
Coding change: c.2625+9G>C on transcript NM_000368.5 (MANE Select); 9 bases into the intron after coding-DNA position 2625, G replaced by C.
Molecular consequence: intron variant.
Genome position (GRCh38, 1-based): chr9:132,900,706, C>G on the plus strand (G>C on the coding strand, the complement: TSC1 is on the minus strand). VCF-style: chr9-132900706-C-G. GRCh37 (hg19) VCF-style: chr9-135776093-C-G.
Other names: c.2262+9G>C (NM_001362177.2); c.2472+9G>C (NM_001162427.2); c.2622+9G>C (NM_001162426.2).
Identifiers: ClinVar variation 1625304 (VCV001625304.9), dbSNP rs2131684014, ClinGen allele CA2573144198.
Genomic context (GRCh38, chr9:132,900,706, plus strand): 5'-GCGGGAGACATACTGTCTGGGTCTGAAACGCTTTCCCCACTAAGGTCTGGCTCCCGAGCC[C>G]TGGCATACCTTTGTGGTATCTGAGTGCTTGTTCTGCAGTTGTTCCAAATAGAGCTCGTTG-3'

ClinVar aggregate classification (germline): Likely benign. Review status: criteria provided, multiple submitters, no conflicts (2 of 4 stars). 2 submissions from 2 submitters: Likely benign (2). Last evaluated 2025-04-28.

Conditions:
Tuberous sclerosis 1 (TSC1). Identifiers: Orphanet 805, MedGen C1854465, MONDO:0008612, OMIM 191100.

Submissions (2):

Myriad Genetics, Inc.
Classification: Likely benign for Tuberous sclerosis 1. Last evaluated: 2025-04-28. Review status: criteria provided, single submitter. Criteria: Myriad Autosomal Dominant, Autosomal Recessive and X-Linked Classification Criteria (2023). Collection method: clinical testing. Allele origin: unknown.
Comment: This variant is considered likely benign. This variant is intronic and is not expected to impact mRNA splicing.

Labcorp Genetics (formerly Invitae), Labcorp
Classification: Likely benign for Tuberous sclerosis 1. Last evaluated: 2022-04-28. Review status: criteria provided, single submitter. Criteria: Invitae Variant Classification Sherloc (09022015). Collection method: clinical testing. Allele origin: germline.